The following is an entry in ClinVar:

ClinVar aggregate classification (germline): Uncertain significance. Review status: criteria provided, multiple submitters, no conflicts (2 of 4 stars). 4 submissions from 4 submitters: Uncertain significance (4). Last evaluated 2025-09-12.

Conditions:
Hereditary cancer-predisposing syndrome. Also called: Neoplastic Syndromes, Hereditary; Hereditary neoplastic syndrome; Tumor predisposition; Hereditary Cancer Syndrome. Identifiers: Orphanet 140162, MedGen C0027672, MeSH D009386, MONDO:0015356.
POLD1-related polyposis and colorectal cancer syndrome (CRCS10). Also called: Colorectal cancer 10; COLORECTAL CANCER, SUSCEPTIBILITY TO, ON CHROMOSOME 19q; Colorectal cancer, susceptibility to, 10. Identifiers: Orphanet 220460, MedGen C2675481, MONDO:0012953, OMIM 612591.

Allele frequency attached by ClinVar (database versions not stated): TOPMed below 0.00001; gnomAD 0.00001.

Submissions (4):

Labcorp Genetics (formerly Invitae), Labcorp
Classification: Uncertain significance for POLD1-related polyposis and colorectal cancer syndrome. Last evaluated: 2025-09-12. Review status: criteria provided, single submitter. Criteria: Invitae Variant Classification Sherloc (09022015). Collection method: clinical testing. Allele origin: germline.
Comment: This sequence change replaces glutamine, which is neutral and polar, with arginine, which is basic and polar, at codon 379 of the POLD1 protein (p.Gln379Arg). RNA analysis indicates that this missense change induces altered splicing and may result in an absent or disrupted protein product. However, the current clinical and genetic evidence is not sufficient to establish whether loss-of-function variants in POLD1 cause disease. This variant is not present in population databases (gnomAD no frequency). This variant has not been reported in the literature in individuals affected with POLD1-related conditions. ClinVar contains an entry for this variant (Variation ID: 469177). An algorithm developed to predict the effect of missense changes on protein structure and function (PolyPhen-2) suggests that this variant is likely to be tolerated. Studies have shown that this missense change results in skipping of exon 9 and introduces a premature termination codon (internal data). The resulting mRNA is expected to undergo nonsense-mediated decay. In summary, the available evidence is currently insufficient to determine the role of this variant in disease. Therefore, it has been classified as a Variant of Uncertain Significance.

Ambry Genetics
Classification: Uncertain significance for Hereditary cancer-predisposing syndrome. Last evaluated: 2025-07-15. Review status: criteria provided, single submitter. Criteria: Ambry Variant Classification Scheme 2023. Collection method: clinical testing. Allele origin: germline.
Comment: The p.Q379R variant (also known as c.1136A>G), located in coding exon 8 of the POLD1 gene, results from an A to G substitution at nucleotide position 1136. The glutamine at codon 379 is replaced by arginine, an amino acid with highly similar properties. This amino acid position is well conserved through mammals but not in all available vertebrate species. In addition, this alteration is predicted to be tolerated by in silico analysis. Since supporting evidence is limited at this time, the clinical significance of this alteration remains unclear.

Baylor Genetics
Classification: Uncertain significance for POLD1-related polyposis and colorectal cancer syndrome. Last evaluated: 2023-06-21. Review status: criteria provided, single submitter. Criteria: ACMG Guidelines, 2015. Collection method: clinical testing. Allele origin: unknown.

GeneDx
Classification: Uncertain significance. Last evaluated: 2023-01-23. Review status: criteria provided, single submitter. Criteria: GeneDx Variant Classification Process June 2021. Collection method: clinical testing. Allele origin: germline. Affected: yes.
Comment: Not observed at significant frequency in large population cohorts (gnomAD); In silico analysis supports that this missense variant does not alter protein function; Has not been previously published as pathogenic or benign to our knowledge; In silico analysis suggests this variant may impact gene splicing. In the absence of RNA/functional studies, the actual effect of this sequence change is unknown.; This variant is associated with the following publications: (PMID: 20951805)

NM_002691.4(POLD1):c.1136A>G (p.Gln379Arg)

Gene: POLD1 (DNA polymerase delta 1, catalytic subunit; plus strand). Cytogenetic location: 19q13.33.
Variant type: single nucleotide variant.
Coding change: c.1136A>G on transcript NM_002691.4 (MANE Select); coding-DNA position 1136, A replaced by G.
Protein change: p.Gln379Arg; replaces glutamine 379 with arginine.
Molecular consequence: missense variant. On other transcripts: non-coding transcript variant (1).
Genome position (GRCh38, 1-based): chr19:50,403,218, A>G. VCF-style: chr19-50403218-A-G. GRCh37 (hg19) VCF-style: chr19-50906475-A-G.
Other names: c.1136A>G, p.Gln379Arg (NM_001256849.1, NM_001308632.1); short protein forms Q379R.
Identifiers: ClinVar variation 469177 (VCV000469177.12), dbSNP rs1355345852, ClinGen allele CA406978402.